The following is an entry in ClinVar:

NM_001040142.2(SCN2A):c.2884G>A (p.Val962Ile)

Gene: SCN2A (sodium voltage-gated channel alpha subunit 2; plus strand). Cytogenetic location: 2q24.3.
Variant type: single nucleotide variant.
Coding change: c.2884G>A on transcript NM_001040142.2 (MANE Select); coding-DNA position 2884, G replaced by A.
Protein change: p.Val962Ile; replaces valine 962 with isoleucine.
Molecular consequence: missense variant.
Genome position (GRCh38, 1-based): chr2:165,344,876, G>A. VCF-style: chr2-165344876-G-A. GRCh37 (hg19) VCF-style: chr2-166201386-G-A.
Other names: c.2884G>A, p.Val962Ile (NM_001040143.2, NM_001371246.1, NM_001371247.1 and 1 more transcripts); short protein forms V962I.
Identifiers: ClinVar variation 2572356 (VCV002572356.1), dbSNP rs2468008553, ClinGen allele CA349016413.
Genomic context (GRCh38, chr2:165,344,876, plus strand): 5'-GAGTGGATAGAGACCATGTGGGACTGTATGGAGGTCGCTGGCCAAACCATGTGCCTTACT[G>A]TCTTCATGATGGTCATGGTGATTGGAAATCTAGTGGTATGTAGCAAAAACATTTTCCTCA-3'
Protein context (NP_001035232.1, residues 952-972): EVAGQTMCLT[Val962Ile]FMMVMVIGNL

ClinVar aggregate classification (germline): Uncertain significance (1 of 4 stars; one submission).

Allele frequency attached by ClinVar (database versions not stated): gnomAD exomes below 0.00001.
gnomAD v4.1: 1 of 1,614,132 alleles (0.000062%); highest among the groups gnomAD compares: Non-Finnish European, 0.000085%; no homozygotes.

Submission:

Greenwood Genetic Center Diagnostic Laboratories, Greenwood Genetic Center
Classification: Uncertain significance. Last evaluated: 2023-04-20. Review status: criteria provided, single submitter. Criteria: ACMG Guidelines, 2015. Collection method: clinical testing. Allele origin: germline. Affected: yes.
Comment: PM2, PP2